The following is an entry in ClinVar:

NM_003070.5(SMARCA2):c.995A>C (p.Gln332Pro)

Gene: SMARCA2 (SWI/SNF related BAF chromatin remodeling complex subunit ATPase 2; plus strand). Cytogenetic location: 9p24.3.
Variant type: single nucleotide variant.
Coding change: c.995A>C on transcript NM_003070.5 (MANE Select); coding-DNA position 995, A replaced by C.
Protein change: p.Gln332Pro; replaces glutamine 332 with proline.
Molecular consequence: missense variant.
Genome position (GRCh38, 1-based): chr9:2,047,433, A>C. VCF-style: chr9-2047433-A-C. GRCh37 (hg19) VCF-style: chr9-2047433-A-C.
Other names: c.995A>C, p.Gln332Pro (NM_139045.4, NM_001289396.2, NM_001289397.2); short protein forms Q332P.
Identifiers: ClinVar variation 2029509 (VCV002029509.4), dbSNP rs1586645140, ClinGen allele CA372781111.
Genomic context (GRCh38, chr9:2,047,433, plus strand): 5'-CGGGGCAGCCCTCGCCCGTCCTCCAGCTGCAGCAGAAGCAGAGCCGCATCAGCCCCATCC[A>C]GAAACCGCAAGGCCTGGACCCCGTGGAAATTCTGCAAGAGCGGGAATACAGGTAACGCAC-3'
Protein context (NP_003061.3, residues 322-342): QQKQSRISPI[Gln332Pro]KPQGLDPVEI

ClinVar aggregate classification (germline): Uncertain significance (1 of 4 stars; one submission).

Submission:

Labcorp Genetics (formerly Invitae), Labcorp
Classification: Uncertain significance. Last evaluated: 2022-09-07. Review status: criteria provided, single submitter. Criteria: Invitae Variant Classification Sherloc (09022015). Collection method: clinical testing. Allele origin: germline.
Comment: In summary, the available evidence is currently insufficient to determine the role of this variant in disease. Therefore, it has been classified as a Variant of Uncertain Significance. Advanced modeling of protein sequence and biophysical properties (such as structural, functional, and spatial information, amino acid conservation, physicochemical variation, residue mobility, and thermodynamic stability) performed at Invitae indicates that this missense variant is not expected to disrupt SMARCA2 protein function. This variant has not been reported in the literature in individuals affected with SMARCA2-related conditions. This variant is not present in population databases (gnomAD no frequency). This sequence change replaces glutamine, which is neutral and polar, with proline, which is neutral and non-polar, at codon 332 of the SMARCA2 protein (p.Gln332Pro).